The following is an entry in ClinVar:

ClinVar aggregate classification (germline): Uncertain significance (1 of 4 stars; one submission).

Conditions:
Primary ciliary dyskinesia. Also called: Ciliary dyskinesia. Identifiers: Orphanet 244, MedGen C0008780, MONDO:0016575, HP:0012265.

Submission:

Labcorp Genetics (formerly Invitae), Labcorp
Classification: Uncertain significance for Primary ciliary dyskinesia. Last evaluated: 2020-02-10. Review status: criteria provided, single submitter. Criteria: Invitae Variant Classification Sherloc (09022015). Collection method: clinical testing. Allele origin: germline.
Comment: This sequence change replaces leucine with serine at codon 4224 of the DNAH8 protein (p.Leu4224Ser). The leucine residue is highly conserved and there is a large physicochemical difference between leucine and serine. This variant is not present in population databases (ExAC no frequency). This variant has not been reported in the literature in individuals with DNAH8-related conditions. Algorithms developed to predict the effect of missense changes on protein structure and function are either unavailable or do not agree on the potential impact of this missense change (SIFT: "Deleterious"; PolyPhen-2: "Not Available"; Align-GVGD: "Class C65"). In summary, the available evidence is currently insufficient to determine the role of this variant in disease. Therefore, it has been classified as a Variant of Uncertain Significance.

NM_001206927.2(DNAH8):c.12671T>C (p.Leu4224Ser)

Gene: DNAH8 (dynein axonemal heavy chain 8; plus strand). Cytogenetic location: 6p21.2.
Variant type: single nucleotide variant.
Coding change: c.12671T>C on transcript NM_001206927.2 (MANE Select); coding-DNA position 12671, T replaced by C.
Protein change: p.Leu4224Ser; replaces leucine 4224 with serine.
Molecular consequence: missense variant.
Genome position (GRCh38, 1-based): chr6:38,973,806, T>C. VCF-style: chr6-38973806-T-C. GRCh37 (hg19) VCF-style: chr6-38941582-T-C.
Other names: c.12020T>C, p.Leu4007Ser (NM_001371.4); short protein forms L4007S, L4224S.
Identifiers: ClinVar variation 947082 (VCV000947082.10), dbSNP rs1297563537, ClinGen allele CA364003753.